The following is an entry in ClinVar:

ClinVar aggregate classification (germline): Pathogenic (1 of 4 stars; one submission).

Conditions:
Immunodeficiency 18 (IMD18). Also called: CD3-EPSILON DEFICIENCY; CD3epsilon deficiency. Identifiers: MedGen C3810127, MONDO:0014278, OMIM 615615.

Submission:

Labcorp Genetics (formerly Invitae), Labcorp
Classification: Pathogenic for Immunodeficiency 18. Last evaluated: 2023-12-22. Review status: criteria provided, single submitter. Criteria: Invitae Variant Classification Sherloc (09022015). Collection method: clinical testing. Allele origin: unknown.
Comment: This variant is a gross deletion of the genomic region encompassing exon(s) 2-3 of the CD3E gene, which includes the initiator codon. This deletion extends beyond the assayed region for this gene and therefore may encompass additional genes. It is expected to result in an absent or disrupted protein product. Loss-of-function variants in CD3E are known to be pathogenic (PMID: 8490660, 15546002). This variant has not been reported in the literature in individuals affected with CD3E-related conditions. Experimental studies and prediction algorithms are not available or were not evaluated, and the functional significance of this variant is currently unknown. For these reasons, this variant has been classified as Pathogenic.

Literature cited by the submitters: PubMed 8490660; PubMed 15546002.

NC_000011.9:g.(?_118175668)_(118178043_?)del

Gene: CD3E (CD3 epsilon subunit of T-cell receptor complex; plus strand). Cytogenetic location: 11q23.3.
Variant type: Deletion.
Identifiers: ClinVar variation 3244672 (VCV003244672.1).